The following is an entry in ClinVar:

ClinVar aggregate classification (germline): Likely benign. Review status: criteria provided, multiple submitters, no conflicts (2 of 4 stars). 2 submissions from 2 submitters: Likely benign (2). Last evaluated 2025-09-26.

Conditions:
Spastic paraplegia. Identifiers: MedGen C0037772, HP:0001258.

Submissions (2):

Mayo Clinic Laboratories, Mayo Clinic
Classification: Likely benign. Last evaluated: 2025-09-26. Review status: criteria provided, single submitter. Criteria: ACMG Guidelines, 2015. Collection method: clinical testing. Allele origin: germline. Observed: 1 variant allele.
Comment: BP4, BP7

Labcorp Genetics (formerly Invitae), Labcorp
Classification: Likely benign for Spastic paraplegia. Last evaluated: 2023-04-08. Review status: criteria provided, single submitter. Criteria: Invitae Variant Classification Sherloc (09022015). Collection method: clinical testing. Allele origin: germline.

NM_014363.6(SACS):c.3693T>C (p.Val1231=)

Gene: SACS (sacsin molecular chaperone; minus strand). Cytogenetic location: 13q12.12.
Variant type: single nucleotide variant.
Coding change: c.3693T>C on transcript NM_014363.6 (MANE Select); coding-DNA position 3693, T replaced by C.
Protein change: p.Val1231=; no amino-acid change (valine 1231 retained).
Molecular consequence: synonymous variant.
Genome position (GRCh38, 1-based): chr13:23,340,183, A>G on the plus strand (T>C on the coding strand, the complement: SACS is on the minus strand). VCF-style: chr13-23340183-A-G. GRCh37 (hg19) VCF-style: chr13-23914322-A-G.
Other names: p.Val1231=; c.3252T>C, p.Val1084= (NM_001278055.2).
Identifiers: ClinVar variation 741288 (VCV000741288.9), dbSNP rs1593132311, ClinGen allele CA483162916.